The following is an entry in ClinVar:

NM_004260.4(RECQL4):c.2929G>A (p.Asp977Asn)

Gene: RECQL4 (RecQ like helicase 4; minus strand). Cytogenetic location: 8q24.3.
Variant type: single nucleotide variant.
Coding change: c.2929G>A on transcript NM_004260.4 (MANE Select); coding-DNA position 2929, G replaced by A.
Protein change: p.Asp977Asn; replaces aspartic acid 977 with asparagine.
Molecular consequence: missense variant.
Genome position (GRCh38, 1-based): chr8:144,512,518, C>T on the plus strand (G>A on the coding strand, the complement: RECQL4 is on the minus strand). VCF-style: chr8-144512518-C-T. GRCh37 (hg19) VCF-style: chr8-145737901-C-T.
Other names: short protein forms D977N.
Identifiers: ClinVar variation 942817 (VCV000942817.5), dbSNP rs780492921, ClinGen allele CA4948001.

ClinVar aggregate classification (germline): Uncertain significance. Review status: criteria provided, multiple submitters, no conflicts (2 of 4 stars). 2 submissions from 2 submitters: Uncertain significance (2). Last evaluated 2025-08-10.

Conditions:
Inborn genetic diseases. Identifiers: MedGen C0950123, MeSH D030342.
Baller-Gerold syndrome (BGS). Also called: CRANIOSYNOSTOSIS WITH RADIAL DEFECTS. Identifiers: Orphanet 1225, MedGen C0265308, MONDO:0009039, OMIM 218600.

Allele frequency attached by ClinVar (database versions not stated): ExAC 0.00001; gnomAD exomes 0.00001 and 0.00003; TOPMed 0.00002.
gnomAD v4.1: 10 of 1,612,560 alleles (0.00062%); highest among the groups gnomAD compares: Admixed American, 0.013%; no homozygotes.

Submissions (2):

Ambry Genetics
Classification: Uncertain significance for Inborn genetic diseases. Last evaluated: 2025-08-10. Review status: criteria provided, single submitter. Criteria: Ambry Variant Classification Scheme 2023. Collection method: clinical testing. Allele origin: germline.
Comment: The p.D977N variant (also known as c.2929G>A), located in coding exon 17 of the RECQL4 gene, results from a G to A substitution at nucleotide position 2929. The aspartic acid at codon 977 is replaced by asparagine, an amino acid with highly similar properties. This amino acid position is conserved. Based on the available evidence, the clinical significance of this variant remains unclear.

Labcorp Genetics (formerly Invitae), Labcorp
Classification: Uncertain significance for Baller-Gerold syndrome. Last evaluated: 2022-09-19. Review status: criteria provided, single submitter. Criteria: Invitae Variant Classification Sherloc (09022015). Collection method: clinical testing. Allele origin: germline.
Comment: This sequence change replaces aspartic acid, which is acidic and polar, with asparagine, which is neutral and polar, at codon 977 of the RECQL4 protein (p.Asp977Asn). This variant is present in population databases (rs780492921, gnomAD 0.02%). This variant has not been reported in the literature in individuals affected with RECQL4-related conditions. ClinVar contains an entry for this variant (Variation ID: 942817). Experimental studies and prediction algorithms are not available or were not evaluated, and the functional significance of this variant is currently unknown. In summary, the available evidence is currently insufficient to determine the role of this variant in disease. Therefore, it has been classified as a Variant of Uncertain Significance.